The following is an entry in ClinVar:

NM_001370658.1(BTD):c.1128T>G (p.Ser376=)

Gene: BTD (biotinidase; plus strand). Cytogenetic location: 3p25.1.
Variant type: single nucleotide variant.
Coding change: c.1128T>G on transcript NM_001370658.1 (MANE Select); coding-DNA position 1128, T replaced by G.
Protein change: p.Ser376=; no amino-acid change (serine 376 retained).
Molecular consequence: synonymous variant. On other transcripts: intron variant (8).
Genome position (GRCh38, 1-based): chr3:15,645,044, T>G. VCF-style: chr3-15645044-T-G. GRCh37 (hg19) VCF-style: chr3-15686551-T-G.
Other names: c.1128T>G, p.Ser376= (NM_001281723.4, NM_001281724.3, NM_001281725.3 and 16 more transcripts); c.1015+113T>G (NM_001370752.1, NM_001407379.1); c.399+2987T>G (NM_001370753.1, NM_001407400.1, NM_001407380.1 and 3 more transcripts).
Identifiers: ClinVar variation 3234289 (VCV003234289.19), dbSNP rs2471518186, ClinGen allele CA432819572.

ClinVar aggregate classification (germline): Likely benign (1 of 4 stars; one submission).

Submission:

CeGaT Center for Human Genetics Tuebingen
Classification: Likely benign. Last evaluated: 2024-04-01. Review status: criteria provided, single submitter. Criteria: CeGaT Center For Human Genetics Tuebingen Variant Classification Criteria Version 2. Collection method: clinical testing. Allele origin: germline. Affected: yes. Observed: 1 variant allele.
Comment: BTD: PM2:Supporting, BP4, BP7